The following is an entry in ClinVar:

NM_021930.6(RINT1):c.2003T>C (p.Phe668Ser)

Genes: EFCAB10 (EF-hand calcium binding domain 10; minus strand), RINT1 (RAD50 interactor 1; plus strand). Cytogenetic location: 7q22.3.
Variant type: single nucleotide variant.
Coding change: c.2003T>C on transcript NM_021930.6 (MANE Select); coding-DNA position 2003, T replaced by C.
Protein change: p.Phe668Ser; replaces phenylalanine 668 with serine.
Molecular consequence: missense variant. On other transcripts: 3 prime UTR variant (3), non-coding transcript variant (1).
Genome position (GRCh38, 1-based): chr7:105,565,393, T>C. VCF-style: chr7-105565393-T-C. GRCh37 (hg19) VCF-style: chr7-105205840-T-C.
Other names: c.*54A>G (NM_001355526.2); c.*156A>G (NM_001355530.2); c.*9A>G (NM_001355531.2); c.1769T>C, p.Phe590Ser (NM_001346599.2); c.980T>C, p.Phe327Ser (NM_001346600.2, NM_001346603.2); c.1079T>C, p.Phe360Ser (NM_001346601.2); short protein forms F668S, F590S, F327S, F360S.
Identifiers: ClinVar variation 241401 (VCV000241401.25), dbSNP rs35971380, ClinGen allele CA4426835.

ClinVar aggregate classification (germline): Benign/Likely benign. Review status: criteria provided, multiple submitters, no conflicts (2 of 4 stars). 5 submissions from 5 submitters: Benign (3); Likely benign (1). 1 of the submissions does not count toward it. Last evaluated 2025-12-19.

Conditions:
RINT1-related disorder. Also called: RINT1-related condition.

Allele frequency attached by ClinVar (database versions not stated): gnomAD exomes 0.00031 and 0.00081; ExAC 0.00086; 1000 Genomes Project 0.00220; 1000 Genomes Project 30x 0.00250; gnomAD 0.00289 and 0.00312; TOPMed 0.00340; ESP Exome Variant Server 0.00377.
gnomAD v4.1: 892 of 1,614,146 alleles (0.055%); highest among the groups gnomAD compares: African/African-American, 1.1%; 2 homozygotes.

Submissions (5):

Labcorp Genetics (formerly Invitae), Labcorp
Classification: Benign. Last evaluated: 2025-12-19. Review status: criteria provided, single submitter. Criteria: Invitae Variant Classification Sherloc (09022015). Collection method: clinical testing. Allele origin: germline.

CeGaT Center for Human Genetics Tuebingen
Classification: Likely benign. Last evaluated: 2025-09-01. Review status: criteria provided, single submitter. Criteria: CeGaT Center For Human Genetics Tuebingen Variant Classification Criteria Version 2. Collection method: clinical testing. Allele origin: germline. Affected: yes. Observed: 2 variant alleles.
Comment: RINT1: BP4, BS1

Ambry Genetics
Classification: Benign. Last evaluated: 2020-07-02. Review status: criteria provided, single submitter. Criteria: Ambry Variant Classification Scheme 2023. Collection method: clinical testing. Allele origin: germline.

Breakthrough Genomics
Classification: Benign. Review status: criteria provided, single submitter. Criteria: ACMG Guidelines, 2015. Collection method: not provided. Allele origin: germline. Inheritance: Autosomal recessive inheritance. Affected: yes.

PreventionGenetics, part of Exact Sciences
Classification: Benign for RINT1-related condition. Last evaluated: 2019-06-17. Review status: no assertion criteria provided. Collection method: clinical testing. Allele origin: germline. Not counted in ClinVar's aggregate classification.
Comment: This variant is classified as benign based on ACMG/AMP sequence variant interpretation guidelines (Richards et al. 2015 PMID: 25741868, with internal and published modifications).